The following is an entry in ClinVar:

ClinVar aggregate classification (germline): Benign/Likely benign. Review status: criteria provided, multiple submitters, no conflicts (2 of 4 stars). 4 submissions from 4 submitters: Benign (1); Likely benign (3). Last evaluated 2025-07-31.

Conditions:
Deafness-encephaloneuropathy-obesity-valvulopathy syndrome. Identifiers: Orphanet 254898, MedGen C3553354, MONDO:0013837, OMIM 614651.

Allele frequency attached by ClinVar (database versions not stated): ExAC 0.00119; gnomAD 0.00330 and 0.00350; TOPMed 0.00332; 1000 Genomes Project 0.00339; ESP Exome Variant Server 0.00346; 1000 Genomes Project 30x 0.00359.
gnomAD v4.1: 988 of 1,613,832 alleles (0.061%); highest among the groups gnomAD compares: African/African-American, 1.1%; 2 homozygotes.

Submissions (4):

Mayo Clinic Laboratories, Mayo Clinic
Classification: Likely benign. Last evaluated: 2025-07-31. Review status: criteria provided, single submitter. Criteria: ACMG Guidelines, 2015. Collection method: clinical testing. Allele origin: germline. Observed: 6 variant alleles.

Blueprint Genetics
Classification: Likely benign. Last evaluated: 2024-11-25. Review status: criteria provided, single submitter. Criteria: ACMG Guidelines, 2015. Collection method: clinical testing. Allele origin: germline.

Illumina Laboratory Services, Illumina
Classification: Likely benign for Deafness-encephaloneuropathy-obesity-valvulopathy syndrome. Last evaluated: 2018-01-12. Review status: criteria provided, single submitter. Criteria: ICSL Variant Classification Criteria 13 December 2019. Collection method: clinical testing. Allele origin: germline.
Comment: This variant was observed in the ICSL laboratory as part of a predisposition screen in an ostensibly healthy population. It had not been previously curated by ICSL or reported in the Human Gene Mutation Database (HGMD: prior to June 1st, 2018), and was therefore a candidate for classification through an automated scoring system. Utilizing variant allele frequency, disease prevalence and penetrance estimates, and inheritance mode, an automated score was calculated to assess if this variant is too frequent to cause the disease. Based on the score and internal cut-off values, a variant classified as likely benign is not then subjected to further curation. The score for this variant resulted in a classification of likely benign for this disease.

GeneDx
Classification: Benign. Last evaluated: 2014-06-16. Review status: criteria provided, single submitter. Criteria: GeneDx Variant Classification (06012015). Collection method: clinical testing. Allele origin: germline. Affected: yes.
Comment: This variant is considered likely benign or benign based on one or more of the following criteria: it is a conservative change, it occurs at a poorly conserved position in the protein, it is predicted to be benign by multiple in silico algorithms, and/or has population frequency not consistent with disease.

NM_014317.5(PDSS1):c.*3A>G

Gene: PDSS1 (decaprenyl diphosphate synthase subunit 1; plus strand). Cytogenetic location: 10p12.1.
Variant type: single nucleotide variant.
Coding change: c.*3A>G on transcript NM_014317.5 (MANE Select); 3 bases downstream of the stop codon, A replaced by G.
Molecular consequence: 3 prime UTR variant.
Genome position (GRCh38, 1-based): chr10:26,746,476, A>G. VCF-style: chr10-26746476-A-G. GRCh37 (hg19) VCF-style: chr10-27035405-A-G.
Other names: c.*139A>G (NM_001321978.2); c.*3A>G (NM_001321979.2).
Identifiers: ClinVar variation 214978 (VCV000214978.8), dbSNP rs115180525, ClinGen allele CA321723.